The following is an entry in ClinVar:

ClinVar aggregate classification (germline): Likely benign. Review status: criteria provided, single submitter (1 of 4 stars). 2 submissions from 2 submitters: Likely benign (1). 1 of the submissions does not count toward it. Last evaluated 2025-10-13.

Conditions:
GABRD-related disorder. Also called: GABRD-related condition.
Idiopathic generalized epilepsy. Also called: Generalised epilepsy; EIG. Identifiers: MedGen C0270850, MONDO:0005579, OMIM 600669.

Allele frequency attached by ClinVar (database versions not stated): gnomAD exomes 0.00001 and 0.00002; ExAC 0.00003; gnomAD 0.00008 and 0.00009; TOPMed 0.00008; ESP Exome Variant Server 0.00015; 1000 Genomes Project 30x 0.00016; 1000 Genomes Project 0.00020.
gnomAD v4.1: 23 of 1,613,080 alleles (0.0014%); highest among the groups gnomAD compares: African/African-American, 0.023%; no homozygotes.

Submissions (2):

Labcorp Genetics (formerly Invitae), Labcorp
Classification: Likely benign for Idiopathic generalized epilepsy. Last evaluated: 2025-10-13. Review status: criteria provided, single submitter. Criteria: Invitae Variant Classification Sherloc (09022015). Collection method: clinical testing. Allele origin: germline.

PreventionGenetics, part of Exact Sciences
Classification: Likely benign for GABRD-related condition. Last evaluated: 2019-04-27. Review status: no assertion criteria provided. Collection method: clinical testing. Allele origin: germline. Not counted in ClinVar's aggregate classification.
Comment: This variant is classified as likely benign based on ACMG/AMP sequence variant interpretation guidelines (Richards et al. 2015 PMID: 25741868, with internal and published modifications).

NM_000815.5(GABRD):c.267G>A (p.Val89=)

Gene: GABRD (gamma-aminobutyric acid type A receptor subunit delta; plus strand). Cytogenetic location: 1p36.33.
Variant type: single nucleotide variant.
Coding change: c.267G>A on transcript NM_000815.5 (MANE Select); coding-DNA position 267, G replaced by A.
Protein change: p.Val89=; no amino-acid change (valine 89 retained).
Molecular consequence: synonymous variant.
Genome position (GRCh38, 1-based): chr1:2,025,535, G>A. VCF-style: chr1-2025535-G-A. GRCh37 (hg19) VCF-style: chr1-1956974-G-A.
Identifiers: ClinVar variation 744617 (VCV000744617.8), dbSNP rs377536787, ClinGen allele CA534607.